The following is an entry in ClinVar:

NM_001868.4(CPA1):c.719G>A (p.Arg240Gln)

Gene: CPA1 (carboxypeptidase A1; plus strand). Cytogenetic location: 7q32.2.
Variant type: single nucleotide variant.
Coding change: c.719G>A on transcript NM_001868.4 (MANE Select); coding-DNA position 719, G replaced by A.
Protein change: p.Arg240Gln; replaces arginine 240 with glutamine.
Molecular consequence: missense variant.
Genome position (GRCh38, 1-based): chr7:130,384,558, G>A. VCF-style: chr7-130384558-G-A. GRCh37 (hg19) VCF-style: chr7-130024399-G-A.
Other names: c.719G>A (NM_001868.2); short protein forms R240Q.
Identifiers: ClinVar variation 1405617 (VCV001405617.7), dbSNP rs781968100, ClinGen allele CA4484922.

ClinVar aggregate classification (germline): Uncertain significance. Review status: criteria provided, multiple submitters, no conflicts (2 of 4 stars). 2 submissions from 2 submitters: Uncertain significance (2). Last evaluated 2025-04-17.

Conditions:
Hereditary pancreatitis (PCTT). Also called: PRSS1-Related Hereditary Pancreatitis; Hereditary chronic pancreatitis. Identifiers: Orphanet 676, MedGen C0238339, MONDO:0008185, OMIM 167800.

Allele frequency attached by ClinVar (database versions not stated): gnomAD exomes 0.00001 and 0.00004; TOPMed 0.00001; ExAC 0.00004.
gnomAD v4.1: 11 of 1,614,216 alleles (0.00068%); highest among the groups gnomAD compares: East Asian, 0.0045%; no homozygotes.

Submissions (2):

Labcorp Genetics (formerly Invitae), Labcorp
Classification: Uncertain significance. Last evaluated: 2025-04-17. Review status: criteria provided, single submitter. Criteria: Invitae Variant Classification Sherloc (09022015). Collection method: clinical testing. Allele origin: germline.
Comment: This sequence change replaces arginine, which is basic and polar, with glutamine, which is neutral and polar, at codon 240 of the CPA1 protein (p.Arg240Gln). This variant is present in population databases (rs781968100, gnomAD 0.03%). This missense change has been observed in individual(s) with pancreatic cancer (PMID: 29669919, 35171259). ClinVar contains an entry for this variant (Variation ID: 1405617). Invitae Evidence Modeling of protein sequence and biophysical properties (such as structural, functional, and spatial information, amino acid conservation, physicochemical variation, residue mobility, and thermodynamic stability) indicates that this missense variant is expected to disrupt CPA1 protein function with a positive predictive value of 80%. Experimental studies have shown that this missense change affects CPA1 function (PMID: 28497564, 29669919). In summary, the available evidence is currently insufficient to determine the role of this variant in disease. Therefore, it has been classified as a Variant of Uncertain Significance.

Ambry Genetics
Classification: Uncertain significance for Hereditary pancreatitis. Last evaluated: 2024-10-24. Review status: criteria provided, single submitter. Criteria: Ambry Variant Classification Scheme 2023. Collection method: clinical testing. Allele origin: germline.
Comment: The p.R240Q variant (also known as c.719G>A), located in coding exon 7 of the CPA1 gene, results from a G to A substitution at nucleotide position 719. The arginine at codon 240 is replaced by glutamine, an amino acid with highly similar properties. This variant was identified in multiple individuals diagnosed with pancreatic cancer (Tamura K et al. Proc. Natl. Acad. Sci. U.S.A., 2018 05;115:4767-4772; Yin L et al. JAMA Netw Open, 2022 Feb;5:e2148721). This variant demonstrated reduced secretion and enzyme activity, but the clinical impact of these results has not been determined (Wu H et al. Hum. Mutat., 2017 08;38:959-963; Tamura K et al. Proc. Natl. Acad. Sci. U.S.A., 2018 05;115:4767-4772). This amino acid position is highly conserved in available vertebrate species. In addition, the in silico prediction for this alteration is inconclusive. Based on the available evidence, the clinical significance of this variant remains unclear.

Literature cited by the submitters: PubMed 29669919 (cited by Labcorp Genetics (formerly Invitae), Labcorp and Ambry Genetics); PubMed 35171259 (cited by Labcorp Genetics (formerly Invitae), Labcorp and Ambry Genetics); PubMed 28497564 (cited by Labcorp Genetics (formerly Invitae), Labcorp and Ambry Genetics).